The following is an entry in ClinVar:

NM_001161352.2(KCNMA1):c.164C>G (p.Ser55Cys)

Gene: KCNMA1 (potassium calcium-activated channel subfamily M alpha 1; minus strand). Cytogenetic location: 10q22.3.
Variant type: single nucleotide variant.
Coding change: c.164C>G on transcript NM_001161352.2 (MANE Select); coding-DNA position 164, C replaced by G.
Protein change: p.Ser55Cys; replaces serine 55 with cysteine.
Molecular consequence: missense variant.
Genome position (GRCh38, 1-based): chr10:77,637,479, G>C on the plus strand (C>G on the coding strand, the complement: KCNMA1 is on the minus strand). VCF-style: chr10-77637479-G-C. GRCh37 (hg19) VCF-style: chr10-79397237-G-C.
Other names: c.164C>G, p.Ser55Cys (NM_001014797.3, NM_001161353.2, NM_001271518.2 and 13 more transcripts); short protein forms S55C.
Identifiers: ClinVar variation 3368586 (VCV003368586.1).

ClinVar aggregate classification (germline): Uncertain significance (1 of 4 stars; one submission).

Submission:

GeneDx
Classification: Uncertain significance. Last evaluated: 2024-01-30. Review status: criteria provided, single submitter. Criteria: GeneDx Variant Classification Process June 2021. Collection method: clinical testing. Allele origin: germline. Affected: yes.
Comment: Not observed at significant frequency in large population cohorts (gnomAD); In silico analysis supports that this missense variant does not alter protein structure/function; Has not been previously published as pathogenic or benign to our knowledge